The following is an entry in ClinVar:

ClinVar aggregate classification (germline): Conflicting classifications of pathogenicity. Review status: criteria provided, conflicting classifications (1 of 4 stars). 4 submissions from 4 submitters: Uncertain significance (1); Likely benign (3). Last evaluated 2025-12-09.

Conditions:
Leukocyte adhesion deficiency 1 (LAD1). Also called: LEUKOCYTE ADHESION DEFICIENCY, TYPE I; LAD 1; Lymphocyte function-associated antigen 1 immunodeficiency; LFA 1 immunodeficiency. Identifiers: Orphanet 2968, Orphanet 99842, MedGen C0398738, MONDO:0007293, OMIM 116920.

Allele frequency attached by ClinVar (database versions not stated): TOPMed 0.00010; ESP Exome Variant Server 0.00023.
gnomAD v4.1: 135 of 1,610,878 alleles (0.0084%); highest among the groups gnomAD compares: East Asian, 0.02%; no homozygotes.

Submissions (4):

Labcorp Genetics (formerly Invitae), Labcorp
Classification: Likely benign for Leukocyte adhesion deficiency 1. Last evaluated: 2025-12-09. Review status: criteria provided, single submitter. Criteria: Invitae Variant Classification Sherloc (09022015). Collection method: clinical testing. Allele origin: germline.

Blueprint Genetics
Classification: Likely benign. Last evaluated: 2024-11-27. Review status: criteria provided, single submitter. Criteria: ACMG Guidelines, 2015. Collection method: clinical testing. Allele origin: germline.

CeGaT Center for Human Genetics Tuebingen
Classification: Likely benign. Last evaluated: 2022-08-01. Review status: criteria provided, single submitter. Criteria: CeGaT Center For Human Genetics Tuebingen Variant Classification Criteria Version 2. Collection method: clinical testing. Allele origin: germline. Affected: yes. Observed: 1 variant allele.
Comment: ITGB2: BP4, BP7

Illumina Laboratory Services, Illumina
Classification: Uncertain significance for Leukocyte adhesion deficiency 1. Last evaluated: 2018-01-12. Review status: criteria provided, single submitter. Criteria: ICSL Variant Classification Criteria 13 December 2019. Collection method: clinical testing. Allele origin: germline.

NM_000211.5(ITGB2):c.1944G>A (p.Pro648=)

Gene: ITGB2 (integrin subunit beta 2; minus strand). Cytogenetic location: 21q22.3.
Variant type: single nucleotide variant.
Coding change: c.1944G>A on transcript NM_000211.5 (MANE Select); coding-DNA position 1944, G replaced by A.
Protein change: p.Pro648=; no amino-acid change (proline 648 retained).
Molecular consequence: synonymous variant.
Genome position (GRCh38, 1-based): chr21:44,888,829, C>T on the plus strand (G>A on the coding strand, the complement: ITGB2 is on the minus strand). VCF-style: chr21-44888829-C-T. GRCh37 (hg19) VCF-style: chr21-46308744-C-T.
Other names: c.1944G>A, p.Pro648= (NM_001127491.3); c.1737G>A, p.Pro579= (NM_001303238.2).
Identifiers: ClinVar variation 898920 (VCV000898920.38), dbSNP rs139840790, ClinGen allele CA10062624.